The following is an entry in ClinVar:

ClinVar aggregate classification (germline): Uncertain significance (1 of 4 stars; one submission).

Conditions:
Malignant hyperthermia, susceptibility to, 1 (MHS1). Also called: Anesthesia related hyperthermia; Malignant hyperpyrexia; Fulminating hyperpyrexia; Pharmacogenic myopathy; RYR1-Related Malignant Hyperthermia Susceptibility; Malignant hyperthermia suceptibility 1. Identifiers: Orphanet 423, MedGen C2930980, MONDO:0007783, OMIM 145600.

Allele frequency attached by ClinVar (database versions not stated): ExAC 0.00001.
gnomAD v4.1: 1 of 1,614,112 alleles (0.000062%); highest among the groups gnomAD compares: Non-Finnish European, 0.000085%; no homozygotes.

Submission:

All of Us Research Program, National Institutes of Health
Classification: Uncertain significance for Malignant hyperthermia, susceptibility to, 1. Last evaluated: 2023-05-04. Review status: criteria provided, single submitter. Criteria: ACMG Guidelines, 2015. Collection method: clinical testing. Allele origin: germline. Inheritance: Autosomal dominant inheritance. Observed: 1 variant allele, 1 heterozygote.
Comment: This missense variant replaces histidine with arginine at codon 2688 of the RYR1 protein. Computational prediction suggests that this variant may not impact protein structure and function (internally defined REVEL score threshold <= 0.5, PMID: 27666373). To our knowledge, functional studies have not been reported for this variant. This variant has not been reported in individuals affected with RYR1-related disorders in the literature. This variant has been identified in 1/250982 chromosomes in the general population by the Genome Aggregation Database (gnomAD). The available evidence is insufficient to determine the role of this variant in disease conclusively. Therefore, this variant is classified as a Variant of Uncertain Significance.

This study involves interpretation of variants in research participants for the purpose of population health screening. Participant phenotype was not available at the time of variant classification. Additional details can be found in publication PMID: 35346344, PMCID: PMC8962531

NM_000540.3(RYR1):c.8063A>G (p.His2688Arg)

Gene: RYR1 (ryanodine receptor 1; plus strand). Cytogenetic location: 19q13.2.
Variant type: single nucleotide variant.
Coding change: c.8063A>G on transcript NM_000540.3 (MANE Select); coding-DNA position 8063, A replaced by G.
Protein change: p.His2688Arg; replaces histidine 2688 with arginine.
Molecular consequence: missense variant.
Genome position (GRCh38, 1-based): chr19:38,504,356, A>G. VCF-style: chr19-38504356-A-G. GRCh37 (hg19) VCF-style: chr19-38994996-A-G.
Other names: c.8063A>G, p.His2688Arg (NM_001042723.2); short protein forms H2688R.
Identifiers: ClinVar variation 3070653 (VCV003070653.1), dbSNP rs772107322, ClinGen allele CA071346.